The following is an entry in ClinVar:

ClinVar aggregate classification (germline): Benign/Likely benign. Review status: criteria provided, multiple submitters, no conflicts (2 of 4 stars). 4 submissions from 4 submitters: Benign (3); Likely benign (1). Last evaluated 2026-07-01.

Allele frequency attached by ClinVar (database versions not stated): gnomAD exomes 0.00017 and 0.00062; ExAC 0.00068; ESP Exome Variant Server 0.00125; gnomAD 0.00153; TOPMed 0.00166; 1000 Genomes Project 0.00220; 1000 Genomes Project 30x 0.00265.
gnomAD v4.1: 454 of 1,613,872 alleles (0.028%); highest among the groups gnomAD compares: African/African-American, 0.39%; 2 homozygotes.

Submissions (4):

CeGaT Center for Human Genetics Tuebingen
Classification: Likely benign. Last evaluated: 2026-07-01. Review status: criteria provided, single submitter. Criteria: CeGaT Center For Human Genetics Tuebingen Variant Classification Criteria Version 2. Collection method: clinical testing. Allele origin: germline. Affected: yes. Observed: 2 variant alleles.
Comment: MYT1L: BP4, BP7, BS1

GeneDx
Classification: Benign. Last evaluated: 2019-12-30. Review status: criteria provided, single submitter. Criteria: GeneDx Variant Classification Process June 2021. Collection method: clinical testing. Allele origin: germline. Affected: yes.

Genetic Services Laboratory, University of Chicago
Classification: Benign. Last evaluated: 2019-06-14. Review status: criteria provided, single submitter. Criteria: ACMG Guidelines, 2015. Collection method: clinical testing. Allele origin: germline. Affected: no.

Labcorp Genetics (formerly Invitae), Labcorp
Classification: Benign. Last evaluated: 2018-07-02. Review status: criteria provided, single submitter. Criteria: Invitae Variant Classification Sherloc (09022015). Collection method: clinical testing. Allele origin: germline.

NM_001303052.2(MYT1L):c.954C>T (p.Ser318=)

Gene: MYT1L (myelin transcription factor 1 like; minus strand). Cytogenetic location: 2p25.3.
Variant type: single nucleotide variant.
Coding change: c.954C>T on transcript NM_001303052.2 (MANE Select); coding-DNA position 954, C replaced by T.
Protein change: p.Ser318=; no amino-acid change (serine 318 retained).
Molecular consequence: synonymous variant.
Genome position (GRCh38, 1-based): chr2:1,922,815, G>A on the plus strand (C>T on the coding strand, the complement: MYT1L is on the minus strand). VCF-style: chr2-1922815-G-A. GRCh37 (hg19) VCF-style: chr2-1926587-G-A.
Other names: c.954C>T, p.Ser318= (NM_001329844.2, NM_001329845.1, NM_001329846.3 and 6 more transcripts).
Identifiers: ClinVar variation 729601 (VCV000729601.33), dbSNP rs142499159, ClinGen allele CA1514324.